The following is an entry in ClinVar:

NM_020433.5(JPH2):c.693G>C (p.Arg231=)

Gene: JPH2 (junctophilin 2; minus strand). Cytogenetic location: 20q13.12.
Variant type: single nucleotide variant.
Coding change: c.693G>C on transcript NM_020433.5 (MANE Select); coding-DNA position 693, G replaced by C.
Protein change: p.Arg231=; no amino-acid change (arginine 231 retained).
Molecular consequence: synonymous variant.
Genome position (GRCh38, 1-based): chr20:44,160,094, C>G on the plus strand (G>C on the coding strand, the complement: JPH2 is on the minus strand). VCF-style: chr20-44160094-C-G. GRCh37 (hg19) VCF-style: chr20-42788734-C-G.
Identifiers: ClinVar variation 4981947 (VCV004981947.1).

ClinVar aggregate classification (germline): Likely benign (1 of 4 stars; one submission).

Conditions:
JPH2-related disorder. Also called: JPH2-related condition.

Submission:

PreventionGenetics, part of Exact Sciences
Classification: Likely benign for JPH2-related condition. Last evaluated: 2026-09-25. Review status: criteria provided, single submitter. Criteria: ACMG Guidelines, 2015. Collection method: clinical testing. Allele origin: germline.
Comment: This variant is classified as likely benign based on ACMG/AMP sequence variant interpretation guidelines (Richards et al. 2015 PMID: 25741868, with internal and published modifications).